The following is an entry in ClinVar:

NM_001369.3(DNAH5):c.11501_11502insTACAA (p.Leu3835fs)

Gene: DNAH5 (dynein axonemal heavy chain 5; minus strand). Cytogenetic location: 5p15.2.
Variant type: Insertion.
Coding change: c.11501_11502insTACAA on transcript NM_001369.3 (MANE Select); coding-DNA positions 11501 to 11502, TACAA inserted.
Protein change: p.Leu3835fs; shifts the reading frame from leucine 3835.
Molecular consequence: frameshift variant.
Genome position: GRCh38 VCF-style: chr5-13735886-G-GTTGTA. GRCh37 (hg19) VCF-style: chr5-13735995-G-GTTGTA.
Other names: short protein forms L3835fs.
Identifiers: ClinVar variation 5010896 (VCV005010896.1).

ClinVar aggregate classification (germline): Pathogenic (1 of 4 stars; one submission).

Conditions:
Primary ciliary dyskinesia 3. Identifiers: Orphanet 244, MedGen C1837618, MONDO:0012085, OMIM 608644.

Submission:

Myriad Genetics, Inc.
Classification: Pathogenic for Primary ciliary dyskinesia 3. Last evaluated: 2024-05-14. Review status: criteria provided, single submitter. Criteria: Myriad Autosomal Dominant, Autosomal Recessive and X-Linked Classification Criteria (2023). Collection method: clinical testing. Allele origin: unknown.
Comment: NM_001369.2(DNAH5):c.11501_11502ins5(L3835Tfs*23) is expected to be pathogenic in the context of primary ciliary dyskinesia, DNAH5-related. This variant is predicted to lead to an abnormal or absent protein product due to the creation of a premature termination codon in DNAH5, a gene where loss-of-function variants are known to be pathogenic. Please note: this variant was assessed in the context of healthy population screening.